The following is an entry in ClinVar:

ClinVar aggregate classification (germline): Uncertain significance. Review status: criteria provided, multiple submitters, no conflicts (2 of 4 stars). 2 submissions from 2 submitters: Uncertain significance (2). Last evaluated 2022-07-06.

Submissions (2):

Labcorp Genetics (formerly Invitae), Labcorp
Classification: Uncertain significance. Last evaluated: 2022-07-06. Review status: criteria provided, single submitter. Criteria: Invitae Variant Classification Sherloc (09022015). Collection method: clinical testing. Allele origin: germline.
Comment: In summary, the available evidence is currently insufficient to determine the role of this variant in disease. Therefore, it has been classified as a Variant of Uncertain Significance. Algorithms developed to predict the effect of missense changes on protein structure and function output the following: SIFT: "Deleterious"; PolyPhen-2: "Benign"; Align-GVGD: "Class C0". The alanine amino acid residue is found in multiple mammalian species, which suggests that this missense change does not adversely affect protein function. ClinVar contains an entry for this variant (Variation ID: 505267). This variant has not been reported in the literature in individuals affected with ADGRV1-related conditions. This variant is not present in population databases (gnomAD no frequency). This sequence change replaces valine, which is neutral and non-polar, with alanine, which is neutral and non-polar, at codon 4111 of the ADGRV1 protein (p.Val4111Ala).

Laboratory for Molecular Medicine, Mass General Brigham Personalized Medicine
Classification: Uncertain significance. Last evaluated: 2016-08-04. Review status: criteria provided, single submitter. Criteria: LMM Criteria. Collection method: clinical testing. Allele origin: germline. Observed: 1 variant allele.
Comment: Variant classified as Uncertain Significance - Favor Benign. The p.Val4111Ala va riant in GPR98 has not been previously reported in individuals with hearing loss or Usher syndrome, or in large population databases. The valine (Val) at posit ion 4111 is not conserved across species including mammals. Of note, two mammals (naked mole rat, rabbit) have an alanine (Ala) at this position despite high ne arby amino acid sequence conservation, suggesting that the change at this positi on may be tolerated. Additional computational prediction tools suggest that thi s variant may not impact the protein, though this information is not predictive enough to rule out pathogenicity. In summary, while the clinical significance of the p.Val4111Ala variant is uncertain, the conservation data suggest that it is more likely to be benign.

NM_032119.4(ADGRV1):c.12332T>C (p.Val4111Ala)

Gene: ADGRV1 (adhesion G protein-coupled receptor V1; plus strand). Cytogenetic location: 5q14.3.
Variant type: single nucleotide variant.
Coding change: c.12332T>C on transcript NM_032119.4 (MANE Select); coding-DNA position 12332, T replaced by C.
Protein change: p.Val4111Ala; replaces valine 4111 with alanine.
Molecular consequence: missense variant. On other transcripts: non-coding transcript variant (1).
Genome position (GRCh38, 1-based): chr5:90,774,232, T>C. VCF-style: chr5-90774232-T-C. GRCh37 (hg19) VCF-style: chr5-90070049-T-C.
Other names: short protein forms V4111A.
Identifiers: ClinVar variation 505267 (VCV000505267.8), dbSNP rs1554111603, ClinGen allele CA360383582.
Genomic context (GRCh38, chr5:90,774,232, plus strand): 5'-GTCATTGGATGTAGACTGAGTCCCAGAAGACCATTGTGTTGCACACACTTCAAGACACAG[T>C]GTTGGAGGAGGACAGGCGTTTCACCATTCAGCTGATATCAATTGATGAGGTAGAAATATC-3'
Protein context (NP_115495.3, residues 4101-4121): TIVLHTLQDT[Val4111Ala]LEEDRRFTIQ